The following is an entry in ClinVar:

NM_006231.4(POLE):c.4916T>C (p.Leu1639Pro)

Gene: POLE (DNA polymerase epsilon, catalytic subunit; minus strand). Cytogenetic location: 12q24.33.
Variant type: single nucleotide variant.
Coding change: c.4916T>C on transcript NM_006231.4 (MANE Select); coding-DNA position 4916, T replaced by C.
Protein change: p.Leu1639Pro; replaces leucine 1639 with proline.
Molecular consequence: missense variant.
Genome position (GRCh38, 1-based): chr12:132,642,542, A>G on the plus strand (T>C on the coding strand, the complement: POLE is on the minus strand). VCF-style: chr12-132642542-A-G. GRCh37 (hg19) VCF-style: chr12-133219128-A-G.
Other names: short protein forms L1639P.
Identifiers: ClinVar variation 240546 (VCV000240546.16), dbSNP rs878854878, ClinGen allele CA10582982.
Genomic context (GRCh38, chr12:132,642,542, plus strand): 5'-CCACAACGACAGTACTGTGCTCACCTGCTCATCTCGAAGGCCTGCGACAGGCAGGTGTCC[A>G]GGTTGAGGTAGTGACGGATCATGCGCCGGGCTCCATGGCGCTGCCAGTCCAGGACCCCAT-3'
Protein context (NP_006222.2, residues 1629-1649): ARRMIRHYLN[Leu1639Pro]DTCLSQAFEM

ClinVar aggregate classification (germline): Uncertain significance. Review status: criteria provided, multiple submitters, no conflicts (2 of 4 stars). 3 submissions from 3 submitters: Uncertain significance (3). Last evaluated 2026-08-28.

Conditions:
Hereditary cancer-predisposing syndrome. Also called: Hereditary Cancer Syndrome; Tumor predisposition; Hereditary neoplastic syndrome; Neoplastic Syndromes, Hereditary. Identifiers: Orphanet 140162, MedGen C0027672, MeSH D009386, MONDO:0015356.

Allele frequency attached by ClinVar (database versions not stated): TOPMed below 0.00001.

Submissions (3):

GeneDx
Classification: Uncertain significance. Last evaluated: 2026-08-28. Review status: criteria provided, single submitter. Criteria: GeneDx Variant Classification Process June 2021. Collection method: clinical testing. Allele origin: germline.
Comment: Not observed at significant frequency in large population cohorts (gnomAD); In silico analysis supports that this missense variant has a deleterious effect on protein structure/function; Has not been previously published as pathogenic or benign to our knowledge

Labcorp Genetics (formerly Invitae), Labcorp
Classification: Uncertain significance. Last evaluated: 2025-06-29. Review status: criteria provided, single submitter. Criteria: Invitae Variant Classification Sherloc (09022015). Collection method: clinical testing. Allele origin: germline.
Comment: This sequence change replaces leucine, which is neutral and non-polar, with proline, which is neutral and non-polar, at codon 1639 of the POLE protein (p.Leu1639Pro). This variant is not present in population databases (gnomAD no frequency). This variant has not been reported in the literature in individuals affected with POLE-related conditions. ClinVar contains an entry for this variant (Variation ID: 240546). Invitae Evidence Modeling of protein sequence and biophysical properties (such as structural, functional, and spatial information, amino acid conservation, physicochemical variation, residue mobility, and thermodynamic stability) indicates that this missense variant is not expected to disrupt POLE protein function with a negative predictive value of 80%. In summary, the available evidence is currently insufficient to determine the role of this variant in disease. Therefore, it has been classified as a Variant of Uncertain Significance.

Ambry Genetics
Classification: Uncertain significance for Hereditary cancer-predisposing syndrome. Last evaluated: 2024-03-21. Review status: criteria provided, single submitter. Criteria: Ambry Variant Classification Scheme 2023. Collection method: clinical testing. Allele origin: germline.
Comment: The p.L1639P variant (also known as c.4916T>C), located in coding exon 37 of the POLE gene, results from a T to C substitution at nucleotide position 4916. The leucine at codon 1639 is replaced by proline, an amino acid with similar properties. This amino acid position is conserved. In addition, the in silico prediction for this alteration is inconclusive. Since supporting evidence is limited at this time, the clinical significance of this alteration remains unclear.